The following is an entry in ClinVar:

ClinVar aggregate classification (germline): Pathogenic. Review status: reviewed by expert panel (3 of 4 stars). 12 submissions from 12 submitters: Pathogenic (1). 11 of the submissions do not count toward it. Last evaluated 2020-02-14.

Conditions:
Glycogen storage disease. Also called: glycogen storage disorder; Disorder of glycogen metabolism. Identifiers: Orphanet 79201, MedGen C0017919, MONDO:0002412.
Glycogen storage disease, type II (IOPD). Also called: CARDIOMEGALIA GLYCOGENICA DIFFUSA; GLYCOGENOSIS, GENERALIZED, CARDIAC FORM; GSD II; Pompe Disease; Glycogen storage disease type 2; Acid maltase deficiency disease. Identifiers: Orphanet 365, MedGen C0017921, MONDO:0009290, OMIM 232300.

Allele frequency attached by ClinVar (database versions not stated): TOPMed below 0.00001; gnomAD 0.00001; gnomAD exomes 0.00001; ExAC 0.00002.

Submissions (12):

ClinGen Lysosomal Storage Disorder Variant Curation Expert Panel
Classification: Pathogenic for Glycogen storage disease, type II. Last evaluated: 2020-02-14. Review status: reviewed by expert panel. Criteria: ClinGen LSD ACMG Specifications v1. Collection method: curation. Allele origin: germline. Inheritance: Autosomal recessive inheritance.
Comment: This variant, c.1826dup (p.Tyr609Terfs), is predicted to cause a frameshift, premature termination codon, and nonsense mediated decay resulting in lack of gene product. This is supported by the absence of cross-reactive immunological material in cultured fibroblasts from a patient with the variant (PMID 22252923). Therefore, PVS1 can be applied. The highest population minor allele frequency in gnomAD v2.1.1 is 0.00001816 in the European non-Finnish population, meeting PM2. Two individuals meeting the ClinGen LSD VCEP's specifications for PP4 have been reported who are compound heterozygous for the variant and a unique pathogenic variant; one of these patients is compound heterozygous for the variant and c.525delT, and the other patient is compound heterozygous for the variant and c.2238G>A (p.Trp746Ter) (PMIDs 12897283, 25741864). Therefore, PP4 and PM3 can be applied. Another patient was reported who is compound heterozygous for this variant and a known pathogenic variant (c.525delT), but this data was not included because the GAA activity for the patient was not reported (PMID 14695532). In summary, this variant meets the criteria to be classified as pathogenic for Pompe disease. ACMG/AMP criteria met, based on the specifications of the ClinGen LSD VCEP: PVS1, PM2, PM3, PP4.

Genomenon, Inc
Classification: Pathogenic for Glycogen storage disease, type II. Last evaluated: 2026-07-01. Review status: criteria provided, single submitter. Criteria: Genomenon Sequence Variant Interpretation Standards - Updated. Collection method: curation. Allele origin: germline. Affected: yes. Not counted in ClinVar's aggregate classification.
Comment: GAA p.Tyr609Ter (c.1826dup) is a nonsense variant that introduces a premature stop codon at amino acid position 609 and is predicted to result in a truncated or absent protein product. This variant has been observed in at least one proband with a GAA-related disorder (PMID:38162137;35864224;25846667;12897283;25741864). Functional studies have been reported (PMID:32587263). It is absent or not present at a significant frequency in gnomAD. In conclusion, we classify GAA p.Tyr609Ter (c.1826dup) as a pathogenic variant.

Genetics Laboratory, Great Ormond Street Hospital NHS Foundation Trust, North Thames Genomic Laboratory Hub
Classification: Pathogenic for Glycogen storage disease. Last evaluated: 2025-12-08. Review status: criteria provided, single submitter. Criteria: ACGS Best Practice Guidelines for Variant Classification in Rare Disease 2024 v1.2. Collection method: clinical testing. Allele origin: germline. Affected: yes. Not counted in ClinVar's aggregate classification.
Comment: PM2_moderate, PVS1_very-strong, PM3_moderate, PP4_moderate

Labcorp Genetics (formerly Invitae), Labcorp
Classification: Pathogenic for Glycogen storage disease, type II. Last evaluated: 2025-12-08. Review status: criteria provided, single submitter. Criteria: Invitae Variant Classification Sherloc (09022015). Collection method: clinical testing. Allele origin: germline. Not counted in ClinVar's aggregate classification.
Comment: This sequence change creates a premature translational stop signal (p.Tyr609*) in the GAA gene. It is expected to result in an absent or disrupted protein product. Loss-of-function variants in GAA are known to be pathogenic (PMID: 18425781, 22252923). This variant is present in population databases (rs754952153, gnomAD 0.002%). This premature translational stop signal has been observed in individual(s) with Pompe disease (PMID: 12897283, 24269976, 25846667, 29124014). ClinVar contains an entry for this variant (Variation ID: 189144). For these reasons, this variant has been classified as Pathogenic.

Variantyx, Inc.
Classification: Pathogenic for Glycogen storage disease, type II. Last evaluated: 2025-05-28. Review status: criteria provided, single submitter. Criteria: Variantyx Assertion Criteria 2022. Collection method: clinical testing. Allele origin: germline. Inheritance: Autosomal recessive inheritance. Affected: yes. Not counted in ClinVar's aggregate classification.
Comment: This is a nonsense variant in the GAA gene (OMIM: 606800). Pathogenic variants in this gene have been associated with autosomal recessive glycogen storage disease II. This variant introduces a premature termination codon in exon 13 out of 20 and is expected to result in loss of function, which is a known disease mechanism for GAA in this disorder (PMID: 22252923) (PVS1). The clinical symptoms reported for this individual are highly specific for autosomal recessive glycogen storage disease II, which has a limited genetic etiology (PMID: 12897283, 25741864) (PP4). This variant has a 0.0027% maximum allele frequency in non-founder control populations (PM2). Based on the current evidence, this variant is classified as pathogenic for autosomal recessive glycogen storage disease II.

Natera, Inc.
Classification: Pathogenic for Glycogen storage disease type II. Last evaluated: 2025-04-13. Review status: criteria provided, single submitter. Criteria: Natera Variant Classification Schema (03/2026). Collection method: clinical testing. Allele origin: germline. Not counted in ClinVar's aggregate classification.
Comment: The c.1826dup variant in GAA is a frameshift variant predicted to shift the reading frame and introduce a stop codon. This variant is expected to result in nonsense mediated decay, truncation, or a dysfunctional protein product. This variant is rare in the general population with a frequency below the threshold expected for the associated phenotype(s). This variant has been observed in one or more individuals affected with the associated recessive disease, as either homozygous or compound heterozygous with a second variant (PMID: 14695532). Given the available evidence, this variant is classified as Pathogenic.

Revvity Omics, Revvity
Classification: Pathogenic. Last evaluated: 2023-08-22. Review status: criteria provided, single submitter. Criteria: ACMG Guidelines, 2015. Collection method: clinical testing. Allele origin: germline. Not counted in ClinVar's aggregate classification.

GeneDx
Classification: Pathogenic. Last evaluated: 2023-07-25. Review status: criteria provided, single submitter. Criteria: GeneDx Variant Classification Process June 2021. Collection method: clinical testing. Allele origin: germline. Affected: yes. Not counted in ClinVar's aggregate classification.
Comment: Not observed at significant frequency in large population cohorts (gnomAD); Published functional studies demonstrate a damaging effect via a mouse model homozygous knock-in for the p.(Y609X) variant that has features of Infantile-onset Pompe Disease (IOPD) (Huang et al., 2020); Nonsense variant predicted to result in protein truncation or nonsense mediated decay in a gene for which loss of function is a known mechanism of disease; This variant is associated with the following publications: (PMID: 31254424, 33301762, 12897283, 25846667, 29124014, 32587263)

Baylor Genetics
Classification: Pathogenic for Glycogen storage disease, type II. Last evaluated: 2023-01-27. Review status: criteria provided, single submitter. Criteria: ACMG Guidelines, 2015. Collection method: clinical testing. Allele origin: unknown. Not counted in ClinVar's aggregate classification.

Broad Center for Mendelian Genomics, Broad Institute of MIT and Harvard
Classification: Pathogenic for Glycogen storage disease, type II. Last evaluated: 2020-01-22. Review status: criteria provided, single submitter. Criteria: ACMG Guidelines, 2015. Collection method: curation. Allele origin: germline. Inheritance: Autosomal recessive inheritance. Not counted in ClinVar's aggregate classification.
Comment: The p.Tyr609Ter variant in GAA has been reported in at least 4 individuals (including at least 1 Dutch individual) with Glycogen Storage Disease II (PMID: 14695532, 12897283, 25741864, 22252923), and has also been reported likely pathogenic by Counsyl and pathogenic by EGL Genetic Diagnostics in ClinVar (Variation ID: 189144). This variant has been identified in 0.00002% (2/110126) of European (non-Finnish) chromosomes by the Genome Aggregation Database (gnomAD; dbSNP rs778892297). Although this variant has been seen in the general population, its frequency is low enough to be consistent with a recessive carrier frequency. This variant leads to a premature termination codon at position 609, which is predicted to lead to a truncated or absent protein. Loss of function of the GAA gene is an established disease mechanism in autosomal recessive Glycogen Storage Disease II. The presence of this variant in combination with reported pathogenic variants and in individuals with Glycogen Storage Disease II increases the likelihood that the p.Tyr609Ter variant is pathogenic (PMID: 25741864, 12897283). Another pathogenic variant, c.1827delC (p.Tyr609Ter), has been reported with the same position and amino acid change (PMID: 14695532, 26693141). The phenotype of individuals heterozygous for this variant is highly specific for Glycogen Storage Disease II based on multiple reports of this variant in CRIM-negative cohorts and abnormally low GAA activity detected in the fibroblasts of one individual heterozygous for this variant (PMID: 22252923, 25741864, 12897283). In summary, this variant meets criteria to be classified as pathogenic for Glycogen Storage Disease II in an autosomal recessive manner based on the predicted impact of the variant and multiple occurrences with pathogenic GAA variants in individuals with Glycogen Storage Disease II. ACMG/AMP Criteria applied: PVS1, PM3, PM2, PP4 (Richards 2015).

Eurofins Ntd Llc (ga)
Classification: Pathogenic. Last evaluated: 2018-08-20. Review status: criteria provided, single submitter. Criteria: EGL ClinVar v180209 classification definitions. Collection method: clinical testing. Allele origin: germline. Observed: 2 variant alleles, 2 heterozygotes. Not counted in ClinVar's aggregate classification.

Counsyl
Classification: Likely pathogenic for Glycogen storage disease, type II. Last evaluated: 2015-01-22. Review status: no assertion criteria provided. Collection method: literature only. Allele origin: unknown. Inheritance: Autosomal recessive inheritance. Not counted in ClinVar's aggregate classification.

Literature cited by the submitters: PubMed 12897283 (cited by 6 submitters); PubMed 38162137 (cited by Genomenon, Inc); PubMed 35864224 (cited by Genomenon, Inc); PubMed 25846667 (cited by Genomenon, Inc and Labcorp Genetics (formerly Invitae), Labcorp); PubMed 25741864 (cited by 3 submitters); PubMed 32587263 (cited by Genomenon, Inc); PubMed 18425781 (cited by Labcorp Genetics (formerly Invitae), Labcorp); PubMed 22252923 (cited by 4 submitters); PubMed 24269976 (cited by Labcorp Genetics (formerly Invitae), Labcorp and Counsyl); PubMed 29124014 (cited by Labcorp Genetics (formerly Invitae), Labcorp); PubMed 14695532 (cited by Natera, Inc. and Broad Center for Mendelian Genomics, Broad Institute of MIT and Harvard).

NM_000152.5(GAA):c.1826dup (p.Tyr609Ter)

Gene: GAA (alpha glucosidase; plus strand). Cytogenetic location: 17q25.3.
Variant type: Duplication.
Coding change: c.1826dup on transcript NM_000152.5 (MANE Select); coding-DNA position 1826, one base duplicated (A; older notation c.1826dupA).
Protein change: p.Tyr609Ter; replaces tyrosine 609 with a stop codon.
Molecular consequence: nonsense.
Genome position (GRCh38, 1-based): chr17:80,112,649, A duplicated. VCF-style (leftmost placement, unchanged base first): chr17-80112648-T-TA. GRCh37 (hg19) VCF-style: chr17-78086447-T-TA.
Other names: c.1826dup (NM_000152.4, LRG_673t1, NM_000152.3); c.1826dup, p.Tyr609Ter (NM_001079803.3, NM_001079804.3); short protein forms Y609*.
Identifiers: ClinVar variation 189144 (VCV000189144.33), dbSNP rs786204727, ClinGen allele CA274414.